The following is an entry in ClinVar:

NM_024753.5(TTC21B):c.3533dup (p.Asn1178fs)

Gene: TTC21B (tetratricopeptide repeat domain 21B; minus strand). Cytogenetic location: 2q24.3.
Variant type: Duplication.
Coding change: c.3533dup on transcript NM_024753.5 (MANE Select); coding-DNA position 3533, one base duplicated (A; older notation c.3533dupA).
Protein change: p.Asn1178fs; shifts the reading frame from asparagine 1178.
Molecular consequence: frameshift variant.
Genome position (GRCh38, 1-based): chr2:165,883,945, T duplicated on the plus strand (A on the coding strand, the reverse complement: TTC21B is on the minus strand); the first of 3 consecutive T bases (chr2:165,883,945-165,883,947); duplicating any one gives the same sequence. VCF-style (leftmost placement, unchanged base first): chr2-165883944-G-GT. GRCh37 (hg19) VCF-style: chr2-166740454-G-GT.
Other names: short protein forms N1178fs.
Identifiers: ClinVar variation 2929692 (VCV002929692.4), dbSNP rs752998754, ClinGen allele CA1941479.

ClinVar aggregate classification (germline): Pathogenic/Likely pathogenic. Review status: criteria provided, multiple submitters, no conflicts (2 of 4 stars). 2 submissions from 2 submitters: Pathogenic (1); Likely pathogenic (1). Last evaluated 2023-05-16.

Conditions:
Jeune thoracic dystrophy. Also called: Infantile thoracic dystrophy; Thoracic pelvic phalangeal dystrophy; Jeune's syndrome; Chondroectodermal dysplasia-like syndrome; Jeune syndrome; Short-rib thoracic dysplasia. Identifiers: Orphanet 474, MedGen C0265275, MONDO:0018770.
Nephronophthisis. Also called: Juvenile Nephronophthisis. Identifiers: Orphanet 655, MedGen C0687120, MONDO:0019005, HP:0000090.
TTC21B-related disorder. Also called: TTC21B-related disorders; TTC21B-related condition.

Submissions (2):

Labcorp Genetics (formerly Invitae), Labcorp
Classification: Pathogenic for Jeune thoracic dystrophy; Nephronophthisis. Last evaluated: 2023-05-16. Review status: criteria provided, single submitter. Criteria: Invitae Variant Classification Sherloc (09022015). Collection method: clinical testing. Allele origin: germline.
Comment: This variant has not been reported in the literature in individuals affected with TTC21B-related conditions. This variant is present in population databases (rs752998754, gnomAD 0.002%). This sequence change creates a premature translational stop signal (p.Asn1178Lysfs*15) in the TTC21B gene. It is expected to result in an absent or disrupted protein product. Loss-of-function variants in TTC21B are known to be pathogenic (PMID: 18327258, 21068128, 21258341, 23559409, 24876116, 25492405, 27491411, 29068549). For these reasons, this variant has been classified as Pathogenic.

Blueprint Genetics
Classification: Likely pathogenic for TTC21B-related disorders. Last evaluated: 2022-04-12. Review status: criteria provided, single submitter. Criteria: ACMG Guidelines, 2015. Collection method: clinical testing. Allele origin: germline. Affected: yes. Observed: 1 variant allele.

Literature cited by the submitters: PubMed 18327258 (cited by Labcorp Genetics (formerly Invitae), Labcorp); PubMed 21068128 (cited by Labcorp Genetics (formerly Invitae), Labcorp); PubMed 21258341 (cited by Labcorp Genetics (formerly Invitae), Labcorp); PubMed 23559409 (cited by Labcorp Genetics (formerly Invitae), Labcorp); PubMed 24876116 (cited by Labcorp Genetics (formerly Invitae), Labcorp); PubMed 25492405 (cited by Labcorp Genetics (formerly Invitae), Labcorp); PubMed 27491411 (cited by Labcorp Genetics (formerly Invitae), Labcorp); PubMed 29068549 (cited by Labcorp Genetics (formerly Invitae), Labcorp).